The following is an entry in ClinVar:

NM_001378454.1(ALMS1):c.7631_7632del (p.Lys2544fs)

Gene: ALMS1 (ALMS1 centrosome and basal body associated protein; plus strand). Cytogenetic location: 2p13.1.
Variant type: Deletion.
Coding change: c.7631_7632del on transcript NM_001378454.1 (MANE Select); coding-DNA positions 7631 to 7632, 2 bases deleted (AG; older notation c.7631_7632delAG).
Protein change: p.Lys2544fs; shifts the reading frame from lysine 2544.
Molecular consequence: frameshift variant.
Genome position (GRCh38, 1-based): chr2:73,455,252-73,455,253, AG deleted. VCF-style (leftmost placement, unchanged base first): chr2-73455251-AAG-A. GRCh37 (hg19) VCF-style: chr2-73682378-AAG-A.
Other names: c.7634_7635del, p.Lys2545fs (NM_015120.4); c.7634_7635delAG (NM_015120.4); short protein forms K2544fs, K2545fs.
Identifiers: ClinVar variation 3350141 (VCV003350141.1).

ClinVar aggregate classification (germline): Pathogenic (0 of 4 stars; one submission).

Conditions:
ALMS1-related disorder. Also called: ALMS1-related condition.

Submission:

PreventionGenetics, part of Exact Sciences
Classification: Pathogenic for ALMS1-related condition. Last evaluated: 2023-12-28. Review status: no assertion criteria provided. Collection method: clinical testing. Allele origin: germline.
Comment: The ALMS1 c.7634_7635delAG variant is predicted to result in a frameshift and premature protein termination (p.Glu2545Valfs*9). This variant has been reported in the compound heterozygous state in individuals with retinal dystrophies (Supplement, Patient #13360, Wang et al. 2019. PubMed ID: 31106028; Rethanavelu et al. 2020. PubMed ID: 31755649). This variant has not been reported in the large population database gnomAD, indicating this variant is rare. Frameshift variants in ALMS1 are expected to be pathogenic. This variant is interpreted as pathogenic.